The following is an entry in ClinVar:

ClinVar aggregate classification (germline): Benign/Likely benign. Review status: criteria provided, multiple submitters, no conflicts (2 of 4 stars). 4 submissions from 4 submitters: Benign (2); Likely benign (1). 1 of the submissions does not count toward it. Last evaluated 2025-09-24.

Conditions:
EFTUD2-related disorder. Also called: EFTUD2-related condition.

Allele frequency attached by ClinVar (database versions not stated): gnomAD exomes 0.00006 and 0.00012; 1000 Genomes Project 30x 0.00016; 1000 Genomes Project 0.00020; ExAC 0.00027; gnomAD 0.00036 and 0.00040; TOPMed 0.00045; ESP Exome Variant Server 0.00046.
gnomAD v4.1: 148 of 1,593,968 alleles (0.0093%); highest among the groups gnomAD compares: African/African-American, 0.16%; 1 homozygote.

Submissions (4):

Labcorp Genetics (formerly Invitae), Labcorp
Classification: Benign. Last evaluated: 2025-09-24. Review status: criteria provided, single submitter. Criteria: Invitae Variant Classification Sherloc (09022015). Collection method: clinical testing. Allele origin: germline.

Blueprint Genetics
Classification: Likely benign. Last evaluated: 2024-07-15. Review status: criteria provided, single submitter. Criteria: ACMG Guidelines, 2015. Collection method: clinical testing. Allele origin: germline.

GeneDx
Classification: Benign. Last evaluated: 2021-03-31. Review status: criteria provided, single submitter. Criteria: GeneDx Variant Classification Process June 2021. Collection method: clinical testing. Allele origin: germline. Affected: yes.

PreventionGenetics, part of Exact Sciences
Classification: Likely benign for EFTUD2-related condition. Last evaluated: 2019-08-20. Review status: no assertion criteria provided. Collection method: clinical testing. Allele origin: germline. Not counted in ClinVar's aggregate classification.
Comment: This variant is classified as likely benign based on ACMG/AMP sequence variant interpretation guidelines (Richards et al. 2015 PMID: 25741868, with internal and published modifications).

NM_004247.4(EFTUD2):c.1143C>T (p.Leu381=)

Gene: EFTUD2 (elongation factor Tu GTP binding domain containing 2; minus strand). Cytogenetic location: 17q21.31.
Variant type: single nucleotide variant.
Coding change: c.1143C>T on transcript NM_004247.4 (MANE Select); coding-DNA position 1143, C replaced by T.
Protein change: p.Leu381=; no amino-acid change (leucine 381 retained).
Molecular consequence: synonymous variant.
Genome position (GRCh38, 1-based): chr17:44,867,813, G>A on the plus strand (C>T on the coding strand, the complement: EFTUD2 is on the minus strand). VCF-style: chr17-44867813-G-A. GRCh37 (hg19) VCF-style: chr17-42945181-G-A.
Other names: c.1038C>T, p.Leu346= (NM_001142605.2); c.1143C>T, p.Leu381= (NM_001258353.2); c.1113C>T, p.Leu371= (NM_001258354.2).
Identifiers: ClinVar variation 1230784 (VCV001230784.14), dbSNP rs144203374, ClinGen allele CA8607871.